The following is an entry in ClinVar:

ClinVar aggregate classification (germline): Conflicting classifications of pathogenicity. Review status: criteria provided, conflicting classifications (1 of 4 stars). 3 submissions from 3 submitters: Pathogenic (1); Likely pathogenic (1); Uncertain significance (1). Last evaluated 2025-11-06.

Conditions:
Cardiovascular phenotype. Identifiers: MedGen CN230736.
Amyloidosis, hereditary systemic 1 (AMYLD1). Also called: Isolated Cardiac Amyloidosis; Amyloid Cardiomyopathy, Transthyretin-related; Familial amyloid polyneuropathy; Transthyretin Amyloidosis; AMYLOID CARDIOMYOPATHY; Hereditary oculoleptomeningeal amyloid angiopathy. Identifiers: Orphanet 85447, Orphanet 85451, MedGen C2751492, MONDO:0971004, OMIM 105210.

Submissions (3):

Ambry Genetics
Classification: Likely pathogenic for Cardiovascular phenotype. Last evaluated: 2025-11-06. Review status: criteria provided, single submitter. Criteria: Ambry Variant Classification Scheme 2023. Collection method: clinical testing. Allele origin: germline.
Comment: The p.E109D variant (also known as c.327G>T), located in coding exon 3 of the TTR gene, results from a G to T substitution at nucleotide position 327. The glutamic acid at codon 109 is replaced by aspartic acid, an amino acid with highly similar properties. This variant, which is also known as p.E89D, was reported in individual(s) with features consistent with transthyretin (TTR) amyloidosis and related cardiomyopathy (Chao HC et al. Ann Clin Transl Neurol, 2019 May;6:913-922; Nomura T et al. Orphanet J Rare Dis, 2025 Sep;20:474; Ambry internal data; external communication). Other variant(s) resulting in the same amino acid change (c.327G>C) have been identified in individual(s) with features consistent with TTR amyloidosis and related cardiomyopathy (Ambry internal data). Another variant at the same codon, p.E109Q (c.325G>C), has been detected as the most common TTR mutation in the Italian population and is associated with a mixed phenotype (Almeida MR et al. Hum Mutat. 1992;1(3):211-5; Coelho T et al. Curr Med Res Opin. 2013;29(1):63-76; Rapezzi C. et al. Eur Heart J. 2013;34(7):520-8, Casta&ntilde;o A, et al. Heart Fail Rev 2015 Mar; 20(2):163-78). This variant is considered to be rare based on population cohorts in the Genome Aggregation Database (gnomAD). This amino acid position is highly conserved in available vertebrate species. In addition, the in silico prediction for this alteration is inconclusive. Based on the majority of available evidence to date, this variant is likely to be pathogenic.

Labcorp Genetics (formerly Invitae), Labcorp
Classification: Pathogenic for Amyloidosis, hereditary systemic 1. Last evaluated: 2023-02-26. Review status: criteria provided, single submitter. Criteria: Invitae Variant Classification Sherloc (09022015). Collection method: clinical testing. Allele origin: germline.
Comment: This missense change has been observed in individual(s) with clinical features of TTR-related conditions (PMID: 31139689; Invitae). This variant is not present in population databases (gnomAD no frequency). This sequence change replaces glutamic acid, which is acidic and polar, with aspartic acid, which is acidic and polar, at codon 109 of the TTR protein (p.Glu109Asp). ClinVar contains an entry for this variant (Variation ID: 235066). For these reasons, this variant has been classified as Pathogenic. This variant disrupts the p.Glu109 amino acid residue in TTR. Other variant(s) that disrupt this residue have been determined to be pathogenic (PMID: 1301926, 28635949). This suggests that this residue is clinically significant, and that variants that disrupt this residue are likely to be disease-causing. Advanced modeling of protein sequence and biophysical properties (such as structural, functional, and spatial information, amino acid conservation, physicochemical variation, residue mobility, and thermodynamic stability) performed at Invitae indicates that this missense variant is expected to disrupt TTR protein function.

Stanford Center for Inherited Cardiovascular Disease, Stanford University
Classification: Uncertain significance. Last evaluated: 2015-09-18. Review status: criteria provided, single submitter. Criteria: ACMG Guidelines, 2015. Collection method: provider interpretation. Allele origin: germline.

Literature cited by the submitters: PubMed 31139689 (cited by Ambry Genetics and Labcorp Genetics (formerly Invitae), Labcorp); PubMed 40898332 (cited by Ambry Genetics); PubMed 1301926 (cited by Labcorp Genetics (formerly Invitae), Labcorp); PubMed 28635949 (cited by Labcorp Genetics (formerly Invitae), Labcorp).

NM_000371.4(TTR):c.327G>T (p.Glu109Asp)

Gene: TTR (transthyretin; plus strand). Cytogenetic location: 18q12.1.
Variant type: single nucleotide variant.
Coding change: c.327G>T on transcript NM_000371.4 (MANE Select); coding-DNA position 327, G replaced by T.
Protein change: p.Glu109Asp; replaces glutamic acid 109 with aspartic acid.
Molecular consequence: missense variant.
Genome position (GRCh38, 1-based): chr18:31,595,246, G>T. VCF-style: chr18-31595246-G-T. GRCh37 (hg19) VCF-style: chr18-29175209-G-T.
Other names: short protein forms E109D.
Identifiers: ClinVar variation 235066 (VCV000235066.9), dbSNP rs876661395, ClinGen allele CA10581186.